The following is an entry in ClinVar:

ClinVar aggregate classification (germline): Likely benign (1 of 4 stars; one submission).

gnomAD v4.1: 89 of 1,533,482 alleles (0.0058%); highest among the groups gnomAD compares: Non-Finnish European, 0.0072%; no homozygotes.

Submission:

CeGaT Center for Human Genetics Tuebingen
Classification: Likely benign. Last evaluated: 2025-12-01. Review status: criteria provided, single submitter. Criteria: CeGaT Center For Human Genetics Tuebingen Variant Classification Criteria Version 2. Collection method: clinical testing. Allele origin: germline. Affected: yes. Observed: 1 variant allele.
Comment: FOXP1: BP4

NM_001349338.3(FOXP1):c.1652+446G>A

Gene: FOXP1 (forkhead box P1; minus strand). Cytogenetic location: 3p13.
Variant type: single nucleotide variant.
Coding change: c.1652+446G>A on transcript NM_001349338.3 (MANE Select); 446 bases into the intron after coding-DNA position 1652, G replaced by A.
Molecular consequence: intron variant. On other transcripts: nonsense (1).
Genome position (GRCh38, 1-based): chr3:70,972,109, C>T on the plus strand (G>A on the coding strand, the complement: FOXP1 is on the minus strand). VCF-style: chr3-70972109-C-T. GRCh37 (hg19) VCF-style: chr3-71021260-C-T.
Other names: c.1602G>A, p.Trp534Ter (NM_001244810.2); c.1652+446G>A (NM_032682.6, NM_001349340.3, NM_001244816.2 and 1 more transcripts); c.1649+446G>A (NM_001349341.3, NM_001244808.3); c.1424+446G>A (NM_001244812.3); c.1349+446G>A (NM_001349343.3, NM_001349337.2, NM_001370548.1 and 1 more transcripts); c.1352+446G>A (NM_001349342.3, NM_001244815.2, NM_001244813.3); short protein forms W534*.
Identifiers: ClinVar variation 4681621 (VCV004681621.5).